The following is an entry in ClinVar:

NM_017671.5(FERMT1):c.*298G>T

Gene: FERMT1 (FERM domain containing kindlin 1; minus strand). Cytogenetic location: 20p12.3.
Variant type: single nucleotide variant.
Coding change: c.*298G>T on transcript NM_017671.5 (MANE Select); 298 bases downstream of the stop codon, G replaced by T.
Molecular consequence: 3 prime UTR variant.
Genome position (GRCh38, 1-based): chr20:6,076,875, C>A on the plus strand (G>T on the coding strand, the complement: FERMT1 is on the minus strand). VCF-style: chr20-6076875-C-A. GRCh37 (hg19) VCF-style: chr20-6057522-C-A.
Identifiers: ClinVar variation 897768 (VCV000897768.4), dbSNP rs115761930, ClinGen allele CA311210432.

ClinVar aggregate classification (germline): Likely benign (1 of 4 stars; one submission).

Conditions:
Kindler syndrome (KNDLRS). Also called: Poikiloderma of Kindler; Congenital bullous poikiloderma; BULLOUS ACROKERATOTIC POIKILODERMA OF KINDLER AND WEARY; POIKILODERMA, CONGENITAL, WITH BULLAE, WEARY TYPE; POIKILODERMA, HEREDITARY ACROKERATOTIC; Hereditary acrokeratotic poikiloderma of Weary. Identifiers: Orphanet 2908, Orphanet 306539, MedGen C0406557, MONDO:0008260, OMIM 173650.

Allele frequency attached by ClinVar (database versions not stated): gnomAD exomes 0.00038; gnomAD 0.00275 and 0.00294; TOPMed 0.00312; 1000 Genomes Project 0.00339; 1000 Genomes Project 30x 0.00344.
gnomAD v4.1: 540 of 471,772 alleles (0.11%); highest among the groups gnomAD compares: African/African-American, 0.97%; 1 homozygote.

Submission:

Illumina Laboratory Services, Illumina
Classification: Likely benign for Kindler syndrome. Last evaluated: 2018-01-12. Review status: criteria provided, single submitter. Criteria: ICSL Variant Classification Criteria 13 December 2019. Collection method: clinical testing. Allele origin: germline.
Comment: This variant was observed in the ICSL laboratory as part of a predisposition screen in an ostensibly healthy population. It had not been previously curated by ICSL or reported in the Human Gene Mutation Database (HGMD: prior to June 1st, 2018), and was therefore a candidate for classification through an automated scoring system. Utilizing variant allele frequency, disease prevalence and penetrance estimates, and inheritance mode, an automated score was calculated to assess if this variant is too frequent to cause the disease. Based on the score and internal cut-off values, a variant classified as likely benign is not then subjected to further curation. The score for this variant resulted in a classification of likely benign for this disease.